The following is an entry in ClinVar:

NM_001374385.1(ATP8B1):c.2663C>T (p.Thr888Met)

Genes: ATP8B1 (ATPase phospholipid transporting 8B1; minus strand), ATP8B1-AS1 (ATP8B1 antisense RNA 1; plus strand). Cytogenetic location: 18q21.31.
Variant type: single nucleotide variant.
Coding change: c.2663C>T on transcript NM_001374385.1 (MANE Select); coding-DNA position 2663, C replaced by T.
Protein change: p.Thr888Met; replaces threonine 888 with methionine.
Molecular consequence: missense variant.
Genome position (GRCh38, 1-based): chr18:57,661,218, G>A on the plus strand (C>T on the coding strand, the complement: ATP8B1 is on the minus strand). VCF-style: chr18-57661218-G-A. GRCh37 (hg19) VCF-style: chr18-55328450-G-A.
Other names: c.2513C>T, p.Thr838Met (NM_001374386.1); c.2663C>T, p.Thr888Met (NM_005603.6); short protein forms T838M, T888M.
Identifiers: ClinVar variation 1691294 (VCV001691294.6), dbSNP rs540027832, ClinGen allele CA300876779.
Genomic context (GRCh38, chr18:57,661,218, plus strand): 5'-TGGGTGCATGACTCACTTTTGATCATGTTCACGTCATTGGCCCCATCTCCGATGGCCAGC[G>A]TGATGGCTTTCTTGTACCTCTTCACCAGGTCCACCACCATGGCCTTCTGCTTGGGGGTGA-3'
Protein context (NP_001361314.1, residues 878-898): DLVKRYKKAI[Thr888Met]LAIGDGANDV

ClinVar aggregate classification (germline): Uncertain significance. Review status: criteria provided, multiple submitters, no conflicts (2 of 4 stars). 3 submissions from 3 submitters: Uncertain significance (3). Last evaluated 2026-04-14.

Conditions:
Progressive familial intrahepatic cholestasis type 1. Also called: BYLER DISEASE; Severe ATP8B1 Deficiency (Progressive Familial Intrahepatic Cholestasis Type 1 [PFIC1]); Byler's disease. Identifiers: Orphanet 79306, MedGen C4551898, MONDO:0008892, OMIM 211600.
Benign recurrent intrahepatic cholestasis type 1. Also called: SUMMERSKILL SYNDROME; Mild-to-Moderate ATP8B1 Deficiency (Benign Recurrent Intrahepatic Cholestasis 1 [BRIC1]). Identifiers: Orphanet 65682, Orphanet 99960, MedGen C4551899, MONDO:0009469, OMIM 243300.
Familial intrahepatic cholestasis. Identifiers: Orphanet 284385, MedGen CN296401, MONDO:0017290.

Allele frequency attached by ClinVar (database versions not stated): TOPMed below 0.00001.
gnomAD v4.1: 5 of 1,614,006 alleles (0.00031%); highest among the groups gnomAD compares: Admixed American, 0.0017%; no homozygotes.

Submissions (3):

Genomenon, Inc
Classification: Uncertain significance for Familial intrahepatic cholestasis. Last evaluated: 2026-04-14. Review status: criteria provided, single submitter. Criteria: Genomenon Sequence Variant Interpretation Standards - Updated. Collection method: curation. Allele origin: germline. Affected: yes.
Comment: ATP8B1 p.Thr888Met (c.2663C>T) is a missense variant that changes the amino acid at residue 888 from Threonine to Methionine. This variant has been observed in at least one proband with features of ATP8B1-deficiency (PMID:41165782;31450232). It is absent or not present at a significant frequency in gnomAD. In silico models predict that this variant is possibly or probably damaging. In conclusion, we classify ATP8B1 p.Thr888Met (c.2663C>T) as a variant of uncertain significance.

Women's Health and Genetics/Laboratory Corporation of America, LabCorp
Classification: Uncertain significance. Last evaluated: 2024-05-25. Review status: criteria provided, single submitter. Criteria: LabCorp Variant Classification Summary - May 2015. Collection method: clinical testing. Allele origin: germline.
Comment: Variant summary: ATP8B1 c.2663C>T (p.Thr888Met) results in a non-conservative amino acid change located in the P-type ATPase, haloacid dehalogenase domain (IPR044492) of the encoded protein sequence. Five of five in-silico tools predict a damaging effect of the variant on protein function. The variant allele was found at a frequency of 4e-06 in 251360 control chromosomes. The available data on variant occurrences in the general population are insufficient to allow any conclusion about variant significance. c.2663C>T has been reported in the literature in at least one compound heterozygous individual affected with Familial Intrahepatic Cholestasis (Wang_2020). These data do not allow any conclusion about variant significance. To our knowledge, no experimental evidence demonstrating an impact on protein function has been reported. The following publications have been ascertained in the context of this evaluation (PMID: 31450232, 33666275). ClinVar contains an entry for this variant (Variation ID: 1691294). Based on the evidence outlined above, the variant was classified as uncertain significance.

Diagnostics Services (NGS), CSIR - Centre For Cellular And Molecular Biology
Classification: Uncertain significance for Progressive familial intrahepatic cholestasis type 1; Benign recurrent intrahepatic cholestasis type 1. Last evaluated: 2022-04-12. Review status: criteria provided, single submitter. Criteria: ACMG Guidelines, 2015. Collection method: clinical testing. Allele origin: germline. Inheritance: Autosomal recessive inheritance. Affected: yes. Observed: 1 variant allele, 1 homozygote.
Comment: The c.2663C>T variant is not present in publicly available population databases like 1000 Genomes, Exome Variant Server (EVS), Exome Aggregation Consortium (ExAC) and Indian Exome Database. The heterozygous state of the variant is present in Genome Aggregation Database (gnomAD), at a very low frequency. The variant is not present in our in-house exome database. The variant was not previously reported to ClinVar, Human Genome Mutation Database (HGMD ID) and/or OMIM databases, in any affected individuals. In-silico pathogenicity prediction programs like SIFT, PolyPhen-2, MutationTaster2, CADD etc. predicted this variant to be likely deleterious, however these predictions were not confirmed by any published functional studies.

Literature cited by the submitters: PubMed 41165782 (cited by Genomenon, Inc); PubMed 31450232 (cited by Genomenon, Inc and Women's Health and Genetics/Laboratory Corporation of America, LabCorp); PubMed 33666275 (cited by Women's Health and Genetics/Laboratory Corporation of America, LabCorp).